The following is an entry in ClinVar:

ClinVar aggregate classification (germline): Uncertain significance (1 of 4 stars; one submission).

Submission:

Labcorp Genetics (formerly Invitae), Labcorp
Classification: Uncertain significance. Last evaluated: 2023-11-13. Review status: criteria provided, single submitter. Criteria: Invitae Variant Classification Sherloc (09022015). Collection method: clinical testing. Allele origin: germline.
Comment: This sequence change replaces arginine, which is basic and polar, with proline, which is neutral and non-polar, at codon 1706 of the OBSL1 protein (p.Arg1706Pro). This variant is not present in population databases (gnomAD no frequency). This variant has not been reported in the literature in individuals affected with OBSL1-related conditions. An algorithm developed to predict the effect of missense changes on protein structure and function (PolyPhen-2) suggests that this variant is likely to be disruptive. In summary, the available evidence is currently insufficient to determine the role of this variant in disease. Therefore, it has been classified as a Variant of Uncertain Significance.

NM_015311.3(OBSL1):c.5117G>C (p.Arg1706Pro)

Gene: OBSL1 (obscurin like cytoskeletal adaptor 1; minus strand). Cytogenetic location: 2q35.
Variant type: single nucleotide variant.
Coding change: c.5117G>C on transcript NM_015311.3 (MANE Select); coding-DNA position 5117, G replaced by C.
Protein change: p.Arg1706Pro; replaces arginine 1706 with proline.
Molecular consequence: missense variant.
Genome position (GRCh38, 1-based): chr2:219,552,897, C>G on the plus strand (G>C on the coding strand, the complement: OBSL1 is on the minus strand). VCF-style: chr2-219552897-C-G. GRCh37 (hg19) VCF-style: chr2-220417619-C-G.
Other names: short protein forms R1706P.
Identifiers: ClinVar variation 2907597 (VCV002907597.3), dbSNP rs1695739708, ClinGen allele CA350720044.